The following is an entry in ClinVar:

ClinVar aggregate classification (germline): Benign (0 of 4 stars; one submission).

Conditions:
ZC3H4-related disorder. Also called: ZC3H4-related condition.

Allele frequency attached by ClinVar (database versions not stated): gnomAD exomes 0.00347; ExAC 0.00895; ESP Exome Variant Server 0.01071; gnomAD 0.01198; TOPMed 0.01260; 1000 Genomes Project 0.02276; 1000 Genomes Project 30x 0.02280.
gnomAD v4.1: 7,069 of 1,601,296 alleles (0.44%); highest among the groups gnomAD compares: African/African-American, 3.7%; 143 homozygotes.

Submission:

PreventionGenetics, part of Exact Sciences
Classification: Benign for ZC3H4-related condition. Last evaluated: 2019-11-07. Review status: no assertion criteria provided. Collection method: clinical testing. Allele origin: germline.
Comment: This variant is classified as benign based on ACMG/AMP sequence variant interpretation guidelines (Richards et al. 2015 PMID: 25741868, with internal and published modifications).

NM_015168.2(ZC3H4):c.1219-8T>C

Gene: ZC3H4 (zinc finger CCCH-type containing 4; minus strand). Cytogenetic location: 19q13.32.
Variant type: single nucleotide variant.
Coding change: c.1219-8T>C on transcript NM_015168.2 (MANE Select); 8 bases into the intron before coding-DNA position 1219, T replaced by C.
Molecular consequence: intron variant.
Genome position (GRCh38, 1-based): chr19:47,082,303, A>G on the plus strand (T>C on the coding strand, the complement: ZC3H4 is on the minus strand). VCF-style: chr19-47082303-A-G. GRCh37 (hg19) VCF-style: chr19-47585560-A-G.
Identifiers: ClinVar variation 3044697 (VCV003044697.2), dbSNP rs116450002, ClinGen allele CA9535288.